The following is an entry in ClinVar:

ClinVar aggregate classification (germline): Pathogenic. Review status: criteria provided, multiple submitters, no conflicts (2 of 4 stars). 2 submissions from 2 submitters: Pathogenic (2). Last evaluated 2024-10-08.

Conditions:
NF1-related disorder. Also called: NF1-related condition. Identifiers: MedGen CN379171.
Neurofibromatosis, type 1 (NF1). Also called: VON RECKLINGHAUSEN DISEASE; Peripheral type neurofibromatosis; Neurofibromatosis, type I; NEUROFIBROMATOSIS, TYPE I, SOMATIC. Identifiers: Orphanet 636, MedGen C0027831, MONDO:0018975, OMIM 162200. Disease mechanism: loss of function.

Submissions (2):

Blueprint Genetics
Classification: Pathogenic for NF1-related disorders. Last evaluated: 2024-10-08. Review status: criteria provided, single submitter. Criteria: ACMG Guidelines, 2015. Collection method: clinical testing. Allele origin: germline. Affected: yes. Observed: 1 variant allele.

Labcorp Genetics (formerly Invitae), Labcorp
Classification: Pathogenic for Neurofibromatosis, type 1. Last evaluated: 2021-10-04. Review status: criteria provided, single submitter. Criteria: Invitae Variant Classification Sherloc (09022015). Collection method: clinical testing. Allele origin: germline.
Comment: This sequence change creates a premature translational stop signal (p.Ser1159Trpfs*35) in the NF1 gene. It is expected to result in an absent or disrupted protein product. Loss-of-function variants in NF1 are known to be pathogenic (PMID: 10712197, 23913538). This variant is not present in population databases (ExAC no frequency). This premature translational stop signal has been observed in individual(s) with neurofibromatosis type 1 (PMID: 31776437). For these reasons, this variant has been classified as Pathogenic.

Literature cited by the submitters: PubMed 10712197 (cited by Labcorp Genetics (formerly Invitae), Labcorp); PubMed 23913538 (cited by Labcorp Genetics (formerly Invitae), Labcorp); PubMed 31776437 (cited by Labcorp Genetics (formerly Invitae), Labcorp).

NM_001042492.3(NF1):c.3475_3476del (p.Ser1159fs)

Gene: NF1 (neurofibromin 1; plus strand). Cytogenetic location: 17q11.2.
Variant type: Deletion.
Coding change: c.3475_3476del on transcript NM_001042492.3 (MANE Select); coding-DNA positions 3475 to 3476, 2 bases deleted (AG; older notation c.3475_3476delAG).
Protein change: p.Ser1159fs; shifts the reading frame from serine 1159.
Molecular consequence: frameshift variant.
Genome position (GRCh38, 1-based): chr17:31,232,860-31,232,861, AG deleted. VCF-style (leftmost placement, unchanged base first): chr17-31232859-CAG-C. GRCh37 (hg19) VCF-style: chr17-29559877-CAG-C.
Other names: c.3475_3476delAG, p.Ser1159Trpfs (NM_000267.4); short protein forms S1159fs.
Identifiers: ClinVar variation 1390772 (VCV001390772.7), dbSNP rs2151434831, ClinGen allele CA2573153346.